The following is an entry in ClinVar:

ClinVar aggregate classification (germline): Likely benign (0 of 4 stars; one submission).

Conditions:
UROS-related disorder. Also called: UROS-related condition.

Allele frequency attached by ClinVar (database versions not stated): gnomAD 0.00003; TOPMed 0.00004; ExAC 0.00007; ESP Exome Variant Server 0.00008; gnomAD exomes 0.00010.
gnomAD v4.1: 148 of 1,612,738 alleles (0.0092%); highest among the groups gnomAD compares: Non-Finnish European, 0.012%; no homozygotes.

Submission:

PreventionGenetics, part of Exact Sciences
Classification: Likely benign for UROS-related condition. Last evaluated: 2019-03-22. Review status: no assertion criteria provided. Collection method: clinical testing. Allele origin: germline.
Comment: This variant is classified as likely benign based on ACMG/AMP sequence variant interpretation guidelines (Richards et al. 2015 PMID: 25741868, with internal and published modifications).

NM_000375.3(UROS):c.661-3T>C

Gene: UROS (uroporphyrinogen III synthase; minus strand). Cytogenetic location: 10q26.2.
Variant type: single nucleotide variant.
Coding change: c.661-3T>C on transcript NM_000375.3 (MANE Select); 3 bases into the intron before coding-DNA position 661, T replaced by C.
Molecular consequence: intron variant.
Genome position (GRCh38, 1-based): chr10:125,789,008, A>G on the plus strand (T>C on the coding strand, the complement: UROS is on the minus strand). VCF-style: chr10-125789008-A-G. GRCh37 (hg19) VCF-style: chr10-127477577-A-G.
Other names: c.580-3T>C (NM_001324038.2); c.661-3T>C (NM_001324037.2); c.742-3T>C (NM_001324036.2).
Identifiers: ClinVar variation 3057717 (VCV003057717.2), dbSNP rs375586027, ClinGen allele CA5738334.